The following is an entry in ClinVar:

NM_016103.4(SAR1B):c.499G>T (p.Glu167Ter)

Gene: SAR1B (secretion associated Ras related GTPase 1B; minus strand). Cytogenetic location: 5q31.1.
Variant type: single nucleotide variant.
Coding change: c.499G>T on transcript NM_016103.4 (MANE Select); coding-DNA position 499, G replaced by T.
Protein change: p.Glu167Ter; replaces glutamic acid 167 with a stop codon.
Molecular consequence: nonsense.
Genome position (GRCh38, 1-based): chr5:134,607,048, C>A on the plus strand (G>T on the coding strand, the complement: SAR1B is on the minus strand). VCF-style: chr5-134607048-C-A. GRCh37 (hg19) VCF-style: chr5-133942738-C-A.
Other names: c.499G>T, p.Glu167Ter (NM_001033503.3); short protein forms E167*.
Identifiers: ClinVar variation 2734786 (VCV002734786.3), dbSNP rs1765140550, ClinGen allele CA360999691.
Genomic context (GRCh38, chr5:134,607,048, plus strand): 5'-CGTAACCTTGTCTTTTGAGCACACTACACATGAAAACTTCTAAGGGTCGGGCATTCAGTT[C>A]TTTCAGAGATATACTCCCCTAGAATAGAAGAGAGACATTTCGTTGGAATTTTATAAAATT-3'

ClinVar aggregate classification (germline): Pathogenic (1 of 4 stars; one submission).

Allele frequency attached by ClinVar (database versions not stated): TOPMed below 0.00001; gnomAD exomes 0.00001.
gnomAD v4.1: 16 of 1,611,910 alleles (0.00099%); highest among the groups gnomAD compares: Non-Finnish European, 0.0014%; no homozygotes.

Submission:

Labcorp Genetics (formerly Invitae), Labcorp
Classification: Pathogenic. Last evaluated: 2023-06-25. Review status: criteria provided, single submitter. Criteria: Invitae Variant Classification Sherloc (09022015). Collection method: clinical testing. Allele origin: germline.
Comment: For these reasons, this variant has been classified as Pathogenic. This variant disrupts a region of the SAR1B protein in which other variant(s) (p.Ser179Arg) have been determined to be pathogenic (PMID: 12692552, 17945526). This suggests that this is a clinically significant region of the protein, and that variants that disrupt it are likely to be disease-causing. This variant is also known as G19T. This premature translational stop signal has been observed in individual(s) with chylomicron retention disease (PMID: 18786134). It has also been observed to segregate with disease in related individuals. This variant is not present in population databases (gnomAD no frequency). This sequence change creates a premature translational stop signal (p.Glu167*) in the SAR1B gene. While this is not anticipated to result in nonsense mediated decay, it is expected to disrupt the last 32 amino acid(s) of the SAR1B protein.

Literature cited by the submitters: PubMed 12692552; PubMed 17945526; PubMed 18786134.